The following is an entry in ClinVar:

NM_000093.5(COL5A1):c.4065C>T (p.Pro1355=)

Gene: COL5A1 (collagen type V alpha 1 chain; plus strand). Cytogenetic location: 9q34.3.
Variant type: single nucleotide variant.
Coding change: c.4065C>T on transcript NM_000093.5 (MANE Select); coding-DNA position 4065, C replaced by T.
Protein change: p.Pro1355=; no amino-acid change (proline 1355 retained).
Molecular consequence: synonymous variant.
Genome position (GRCh38, 1-based): chr9:134,815,626, C>T. VCF-style: chr9-134815626-C-T. GRCh37 (hg19) VCF-style: chr9-137707472-C-T.
Other names: p.P1355P:CCC>CCT; p.Pro1355=; c.4065C>T, p.Pro1355= (NM_001278074.1).
Identifiers: ClinVar variation 136887 (VCV000136887.57), dbSNP rs61737906, ClinGen allele CA290268.
Genomic context (GRCh38, chr9:134,815,626, plus strand): 5'-TTCCTTTCAGGGCCCAGTGGGTTTTCCTGGAGATCCTGGCCCCCCCGGAGAGCCTGGCCC[C>T]GCGGTAGGTGCTCAAGAGGGCAAAGCCACCGGATCCCCCACAGTGCTGGCCTGCCTCTGC-3'
Protein context (NP_000084.3, residues 1345-1365): GDPGPPGEPG[Pro1355=]AGQDGPPGDK

ClinVar aggregate classification (germline): Benign/Likely benign. Review status: criteria provided, multiple submitters, no conflicts (2 of 4 stars). 12 submissions from 11 submitters: Benign (9); Likely benign (3). Last evaluated 2026-02-01.

Conditions:
Connective tissue disorder. Also called: Connective tissue disease. Identifiers: MedGen C0009782, MONDO:0003900.
Ehlers-Danlos syndrome, classic type, 1 (EDSCL1). Also called: Ehlers-Danlos syndrome, type 1; Ehlers-Danlos Syndrome, Classic Type, COL5A1-Related; EDS I; EHLERS-DANLOS SYNDROME, GRAVIS TYPE; EHLERS-DANLOS SYNDROME, SEVERE CLASSIC TYPE. Identifiers: MedGen C0268335, MONDO:0019567, OMIM 130000.
Fibromuscular dysplasia, multifocal. Identifiers: MedGen C5543412, MONDO:0859151, OMIM 619329.
Ehlers-Danlos syndrome (EDS). Identifiers: Orphanet 98249, MedGen C0013720, MONDO:0020066.
Ehlers-Danlos syndrome, classic type (cEDS). Identifiers: Orphanet 287, MedGen C4225429, MONDO:0007522.
Familial thoracic aortic aneurysm and aortic dissection (TAAD). Also called: Thoracic aortic aneurysms and dissections. Identifiers: Orphanet 91387, MedGen C4707243, MONDO:0019625.

Allele frequency attached by ClinVar (database versions not stated): 1000 Genomes Project 0.00020; 1000 Genomes Project 30x 0.00031; ExAC 0.00147; gnomAD 0.00149 and 0.00164; TOPMed 0.00164; gnomAD exomes 0.00177; ESP Exome Variant Server 0.00200.
gnomAD v4.1: 1,525 of 1,613,604 alleles (0.095%); highest among the groups gnomAD compares: African/African-American, 0.15%; 19 homozygotes.

Submissions (12):

Labcorp Genetics (formerly Invitae), Labcorp
Classification: Benign for Ehlers-Danlos syndrome, classic type, 1. Last evaluated: 2026-02-01. Review status: criteria provided, single submitter. Criteria: Invitae Variant Classification Sherloc (09022015). Collection method: clinical testing. Allele origin: germline.

CeGaT Center for Human Genetics Tuebingen
Classification: Likely benign. Last evaluated: 2024-08-01. Review status: criteria provided, single submitter. Criteria: CeGaT Center For Human Genetics Tuebingen Variant Classification Criteria Version 2. Collection method: clinical testing. Allele origin: germline. Affected: yes. Observed: 4 variant alleles.
Comment: COL5A1: BP4, BP7, BS1

Women's Health and Genetics/Laboratory Corporation of America, LabCorp
Classification: Benign. Last evaluated: 2023-07-21. Review status: criteria provided, single submitter. Criteria: LabCorp Variant Classification Summary - May 2015. Collection method: clinical testing. Allele origin: germline.

Genome-Nilou Lab
Classification: Benign for Ehlers-Danlos syndrome, classic type, 1. Last evaluated: 2022-03-15. Review status: criteria provided, single submitter. Criteria: ACMG Guidelines, 2015. Collection method: clinical testing. Allele origin: germline. Affected: no.

Genome-Nilou Lab
Classification: Benign for Fibromuscular dysplasia, multifocal. Last evaluated: 2022-03-15. Review status: criteria provided, single submitter. Criteria: ACMG Guidelines, 2015. Collection method: clinical testing. Allele origin: germline. Affected: no.

Genome Diagnostics Laboratory, The Hospital for Sick Children
Classification: Likely benign for Ehlers-Danlos syndrome. Last evaluated: 2021-12-20. Review status: criteria provided, single submitter. Criteria: ACMG Guidelines, 2015. Collection method: clinical testing. Allele origin: germline.

Mayo Clinic Laboratories, Mayo Clinic
Classification: Benign. Last evaluated: 2020-02-19. Review status: criteria provided, single submitter. Criteria: ACMG Guidelines, 2015. Collection method: clinical testing. Allele origin: germline. Observed: 16 variant alleles.

ARUP Laboratories, Molecular Genetics and Genomics, ARUP Laboratories
Classification: Benign for Ehlers-Danlos syndrome, classic type, 1. Last evaluated: 2019-10-15. Review status: criteria provided, single submitter. Criteria: ARUP Molecular Germline Variant Investigation Process. Collection method: clinical testing. Allele origin: germline.

Illumina Laboratory Services, Illumina
Classification: Benign for Ehlers-Danlos syndrome, classic type, 1. Last evaluated: 2018-01-13. Review status: criteria provided, single submitter. Criteria: ICSL Variant Classification Criteria 13 December 2019. Collection method: clinical testing. Allele origin: germline.
Comment: This variant was observed in the ICSL laboratory as part of a predisposition screen in an ostensibly healthy population. It had not been previously curated by ICSL or reported in the Human Gene Mutation Database (HGMD: prior to June 1st, 2018), and was therefore a candidate for classification through an automated scoring system. Utilizing variant allele frequency, disease prevalence and penetrance estimates, and inheritance mode, an automated score was calculated to assess if this variant is too frequent to cause the disease. Based on the score and internal cut-off values, a variant classified as benign is not then subjected to further curation. The score for this variant resulted in a classification of benign for this disease.

Center for Human Genetics, Inc
Classification: Likely benign for Connective tissue disorder. Last evaluated: 2016-11-01. Review status: criteria provided, single submitter. Criteria: ACMG Guidelines, 2015. Collection method: clinical testing. Allele origin: germline. Affected: yes.

Ambry Genetics
Classification: Benign for Familial thoracic aortic aneurysm and aortic dissection. Last evaluated: 2016-01-25. Review status: criteria provided, single submitter. Criteria: Ambry Variant Classification Scheme 2023. Collection method: clinical testing. Allele origin: germline.

GeneDx
Classification: Benign. Last evaluated: 2013-09-19. Review status: criteria provided, single submitter. Criteria: GeneDx Variant Classification (06012015). Collection method: clinical testing. Allele origin: germline. Affected: yes.
Comment: This variant is considered likely benign or benign based on one or more of the following criteria: it is a conservative change, it occurs at a poorly conserved position in the protein, it is predicted to be benign by multiple in silico algorithms, and/or has population frequency not consistent with disease.